The following is an entry in ClinVar:

NM_000382.3(ALDH3A2):c.420_426del (p.Ser140fs)

Gene: ALDH3A2 (aldehyde dehydrogenase 3 family member A2; plus strand). Cytogenetic location: 17p11.2.
Variant type: Deletion.
Coding change: c.420_426del on transcript NM_000382.3 (MANE Select); coding-DNA positions 420 to 426, 7 bases deleted (TGAAAAT; older notation c.420_426delTGAAAAT).
Protein change: p.Ser140fs; shifts the reading frame from serine 140.
Molecular consequence: frameshift variant. On other transcripts: 5 prime UTR variant (1).
Genome position (GRCh38, 1-based): chr17:19,652,581-19,652,587, TGAAAAT deleted. VCF-style (leftmost placement, unchanged base first): chr17-19652580-GTGAAAAT-G. GRCh37 (hg19) VCF-style: chr17-19555893-GTGAAAAT-G.
Other names: c.420_426del, p.Ser140fs (NM_001031806.2, NM_001369136.1, NM_001369137.2 and 3 more transcripts); c.-269_-263del (NM_001369148.2); short protein forms S140fs.
Identifiers: ClinVar variation 1725561 (VCV001725561.2), dbSNP rs2544360290, ClinGen allele CA2580092737.
Genomic context (GRCh38, chr17:19,652,580, plus strand): 5'-TACTGTTCTACTTTTTACTTTATTTAGGAAATGCTGTGATTATAAAGCCTTCTGAACTGA[GTGAAAAT>G]ACAGCCAAGATCTTGGCAAAGCTTCTCCCTCAGTATTTAGACCAGGTAAGAATTTCTTGA-3'

ClinVar aggregate classification (germline): Likely pathogenic (1 of 4 stars; one submission).

Conditions:
Sjögren-Larsson syndrome (SLS). Also called: FALDH DEFICIENCY; FATTY ALCOHOL:NAD+ OXIDOREDUCTASE DEFICIENCY; FATTY ALDEHYDE DEHYDROGENASE DEFICIENCY; ICHTHYOSIS, SPASTIC NEUROLOGIC DISORDER, AND OLIGOPHRENIA. Identifiers: Orphanet 816, MedGen C0037231, MONDO:0010031, OMIM 270200.

Submission:

Myriad Genetics, Inc.
Classification: Likely pathogenic for Sjögren-Larsson syndrome. Last evaluated: 2022-03-30. Review status: criteria provided, single submitter. Criteria: Myriad Women's Health Autosomal Recessive and X-Linked Classification Criteria (2021). Collection method: clinical testing. Allele origin: unknown.
Comment: NM_000382.2(ALDH3A2):c.420_426del7(S140Rfs*14) is expected to be pathogenic in the context of Sjogren-Larsson syndrome. This variant is predicted to lead to an abnormal or absent protein product due to the creation of a premature termination codon in ALDH3A2, a gene where loss-of-function variants are known to be pathogenic. Please note: this variant was assessed in the context of healthy population screening.